The following is an entry in ClinVar:

ClinVar aggregate classification (germline): Uncertain significance. Review status: criteria provided, multiple submitters, no conflicts (2 of 4 stars). 2 submissions from 2 submitters: Uncertain significance (2). Last evaluated 2025-11-25.

Conditions:
Inborn genetic diseases. Identifiers: MedGen C0950123, MeSH D030342.

Allele frequency attached by ClinVar (database versions not stated): ESP Exome Variant Server 0.00023; gnomAD exomes 0.00001; TOPMed 0.00017; gnomAD 0.00013; ExAC 0.00006.
gnomAD v4.1: 29 of 1,614,052 alleles (0.0018%); highest among the groups gnomAD compares: African/African-American, 0.037%; no homozygotes.

Submissions (2):

Ambry Genetics
Classification: Uncertain significance for Inborn genetic diseases. Last evaluated: 2025-11-25. Review status: criteria provided, single submitter. Criteria: Ambry Variant Classification Scheme 2023. Collection method: clinical testing. Allele origin: germline.

Labcorp Genetics (formerly Invitae), Labcorp
Classification: Uncertain significance. Last evaluated: 2022-08-21. Review status: criteria provided, single submitter. Criteria: Invitae Variant Classification Sherloc (09022015). Collection method: clinical testing. Allele origin: germline.
Comment: This sequence change replaces arginine, which is basic and polar, with glutamine, which is neutral and polar, at codon 775 of the TRIM37 protein (p.Arg775Gln). This variant is present in population databases (rs148095355, gnomAD 0.06%). This variant has not been reported in the literature in individuals affected with TRIM37-related conditions. Algorithms developed to predict the effect of missense changes on protein structure and function are either unavailable or do not agree on the potential impact of this missense change (SIFT: "Not Available"; PolyPhen-2: "Probably Damaging"; Align-GVGD: "Not Available"). In summary, the available evidence is currently insufficient to determine the role of this variant in disease. Therefore, it has been classified as a Variant of Uncertain Significance.

NM_015294.6(TRIM37):c.2324G>A (p.Arg775Gln)

Gene: TRIM37 (tripartite motif containing 37; minus strand). Cytogenetic location: 17q22.
Variant type: single nucleotide variant.
Coding change: c.2324G>A on transcript NM_015294.6 (MANE Select); coding-DNA position 2324, G replaced by A.
Protein change: p.Arg775Gln; replaces arginine 775 with glutamine.
Molecular consequence: missense variant. On other transcripts: non-coding transcript variant (2).
Genome position (GRCh38, 1-based): chr17:59,017,358, C>T on the plus strand (G>A on the coding strand, the complement: TRIM37 is on the minus strand). VCF-style: chr17-59017358-C-T. GRCh37 (hg19) VCF-style: chr17-57094719-C-T.
Other names: c.2324G>A, p.Arg775Gln (NM_001005207.5, NM_001320988.3, NM_001320989.3 and 1 more transcripts); c.2222G>A, p.Arg741Gln (NM_001320987.3, NM_001353082.2); c.1958G>A, p.Arg653Gln (NM_001320990.3); c.1589G>A, p.Arg530Gln (NM_001353083.2); c.1862G>A, p.Arg621Gln (NM_001353085.2); c.2273G>A, p.Arg758Gln (NM_001353086.2); c.2324G>A (NM_015294.3); short protein forms R530Q, R758Q, R741Q, R621Q, R653Q, R775Q.
Identifiers: ClinVar variation 2179939 (VCV002179939.4), dbSNP rs148095355, ClinGen allele CA8678082.